The following is an entry in ClinVar:

NM_004863.4(SPTLC2):c.760T>C (p.Cys254Arg)

Gene: SPTLC2 (serine palmitoyltransferase long chain base subunit 2; minus strand). Cytogenetic location: 14q24.3.
Variant type: single nucleotide variant.
Coding change: c.760T>C on transcript NM_004863.4 (MANE Select); coding-DNA position 760, T replaced by C.
Protein change: p.Cys254Arg; replaces cysteine 254 with arginine.
Molecular consequence: missense variant.
Genome position (GRCh38, 1-based): chr14:77,562,486, A>G on the plus strand (T>C on the coding strand, the complement: SPTLC2 is on the minus strand). VCF-style: chr14-77562486-A-G. GRCh37 (hg19) VCF-style: chr14-78028829-A-G.
Other names: short protein forms C254R.
Identifiers: ClinVar variation 571552 (VCV000571552.13), dbSNP rs767182140, ClinGen allele CA390710738.
Genomic context (GRCh38, chr14:77,562,486, plus strand): 5'-CTGACAGTCTGGCTCCCAGAACCAGTGATGCATGATTCAGTTCATCACTCAGAATCAGGC[A>G]ACCCTGCAACATCACAGGAACAGAAAGGTAAGAAGCTGGAGGGGAAAGGGTTAGTTACAC-3'
Protein context (NP_004854.1, residues 244-264): MNIPALVGKG[Cys254Arg]LILSDELNHA

ClinVar aggregate classification (germline): Uncertain significance. Review status: criteria provided, multiple submitters, no conflicts (2 of 4 stars). 3 submissions from 3 submitters: Uncertain significance (3). Last evaluated 2026-07-06.

Conditions:
SPTLC2-related disorder. Also called: SPTLC2-related condition.
Inborn genetic diseases. Identifiers: MedGen C0950123, MeSH D030342.
Neuropathy, hereditary sensory and autonomic, type 1C. Also called: HSAN IC; HSN IC. Identifiers: Orphanet 36386, MedGen C3150896, MONDO:0013337, OMIM 613640.

Allele frequency attached by ClinVar (database versions not stated): TOPMed below 0.00001; gnomAD 0.00001.
gnomAD v4.1: 10 of 1,613,902 alleles (0.00062%); highest among the groups gnomAD compares: African/African-American, 0.0013%; no homozygotes.

Submissions (3):

PreventionGenetics, part of Exact Sciences
Classification: Uncertain significance for SPTLC2-related condition. Last evaluated: 2026-07-06. Review status: criteria provided, single submitter. Criteria: ACMG Guidelines, 2015. Collection method: clinical testing. Allele origin: germline.
Comment: The SPTLC2 c.760T>C variant is predicted to result in the amino acid substitution p.Cys254Arg. To our knowledge, this variant has not been reported in the literature. This variant is reported in 0.00088% of alleles in individuals of European (Non-Finnish) descent in gnomAD. At this time, the clinical significance of this variant is uncertain due to the absence of conclusive functional and genetic evidence.

Labcorp Genetics (formerly Invitae), Labcorp
Classification: Uncertain significance for Neuropathy, hereditary sensory and autonomic, type 1C. Last evaluated: 2024-05-23. Review status: criteria provided, single submitter. Criteria: Invitae Variant Classification Sherloc (09022015). Collection method: clinical testing. Allele origin: germline.
Comment: This sequence change replaces cysteine, which is neutral and slightly polar, with arginine, which is basic and polar, at codon 254 of the SPTLC2 protein (p.Cys254Arg). This variant is present in population databases (no rsID available, gnomAD 0.0009%). This variant has not been reported in the literature in individuals affected with SPTLC2-related conditions. ClinVar contains an entry for this variant (Variation ID: 571552). Advanced modeling of protein sequence and biophysical properties (such as structural, functional, and spatial information, amino acid conservation, physicochemical variation, residue mobility, and thermodynamic stability) performed at Invitae indicates that this missense variant is expected to disrupt SPTLC2 protein function with a positive predictive value of 80%. In summary, the available evidence is currently insufficient to determine the role of this variant in disease. Therefore, it has been classified as a Variant of Uncertain Significance.

Ambry Genetics
Classification: Uncertain significance for Inborn genetic diseases. Last evaluated: 2019-12-23. Review status: criteria provided, single submitter. Criteria: Ambry Variant Classification Scheme 2023. Collection method: clinical testing. Allele origin: germline.
Comment: The p.C254R variant (also known as c.760T>C), located in coding exon 6 of the SPTLC2 gene, results from a T to C substitution at nucleotide position 760. The cysteine at codon 254 is replaced by arginine, an amino acid with highly dissimilar properties. This amino acid position is highly conserved in available vertebrate species. In addition, this alteration is predicted to be deleterious by in silico analysis. Since supporting evidence is limited at this time, the clinical significance of this alteration remains unclear.